The following is an entry in ClinVar:

ClinVar aggregate classification (germline): Uncertain significance (1 of 4 stars; one submission).

Conditions:
Cardiovascular phenotype. Identifiers: MedGen CN230736.

Submission:

Ambry Genetics
Classification: Uncertain significance for Cardiovascular phenotype. Last evaluated: 2026-06-15. Review status: criteria provided, single submitter. Criteria: Ambry Variant Classification Scheme 2023. Collection method: clinical testing. Allele origin: germline.
Comment: The c.14253_14266dup14 variant, located in coding exon 99 of the RYR2 gene, results from a duplication of GACATTAAGAACCA at nucleotide position 14253, causing a translational frameshift with a predicted alternate stop codon (p.I4756Rfs*3). This variant is expected to result in protein truncation or nonsense-mediated mRNA decay. However, loss of function has not been established as a mechanism of disease. Based on the available evidence, the clinical significance of this variant remains unclear.

NM_001035.3(RYR2):c.14253_14266dup (p.Ile4756delinsArgHisTer)

Gene: RYR2 (ryanodine receptor 2; plus strand). Cytogenetic location: 1q43.
Variant type: Duplication.
Coding change: c.14253_14266dup on transcript NM_001035.3 (MANE Select); coding-DNA positions 14253 to 14266, 14 bases duplicated (GACATTAAGAACCA).
Protein change: p.Ile4756delinsArgHisTer.
Molecular consequence: nonsense.
Genome position (GRCh38, 1-based): chr1:237,806,238-237,806,251, GACATTAAGAACCA duplicated; duplicating any 14 consecutive bases within chr1:237,806,237-237,806,251 gives the same sequence; the c. name uses the placement nearest the transcript's 3' end. VCF-style (leftmost placement, unchanged base first): chr1-237806236-A-AAGACATTAAGAACC. GRCh37 (hg19) VCF-style: chr1-237969536-A-AAGACATTAAGAACC.
Identifiers: ClinVar variation 5028663 (VCV005028663.1).
Genomic context (GRCh38, chr1:237,806,236, plus strand): 5'-CTTGGACACTATAACAACTTTTTTTTTGCCGCTCACCTTCTCGACATTGCTATGGGATTC[A>AAGACATTAAGAACC]AGACATTAAGAACCATCTTGTCCTCAGTAACTCACAATGGCAAACAGGTAAACAGTTTAT-3'